The following is an entry in ClinVar:

NM_001267550.2(TTN):c.55432G>T (p.Asp18478Tyr)

Genes: TTN (titin; minus strand), TTN-AS1 (TTN antisense RNA 1; plus strand). Cytogenetic location: 2q31.2.
Variant type: single nucleotide variant.
Coding change: c.55432G>T on transcript NM_001267550.2 (MANE Select); coding-DNA position 55432, G replaced by T.
Protein change: p.Asp18478Tyr; replaces aspartic acid 18478 with tyrosine.
Molecular consequence: missense variant.
Genome position (GRCh38, 1-based): chr2:178,601,658, C>A on the plus strand (G>T on the coding strand, the complement: TTN is on the minus strand). VCF-style: chr2-178601658-C-A. GRCh37 (hg19) VCF-style: chr2-179466385-C-A.
Other names: c.50509G>T, p.Asp16837Tyr (NM_001256850.1); c.28237G>T, p.Asp9413Tyr (NM_003319.4); c.47728G>T, p.Asp15910Tyr (NM_133378.4); c.28612G>T, p.Asp9538Tyr (NM_133432.3); c.28813G>T, p.Asp9605Tyr (NM_133437.4); short protein forms D16837Y, D18478Y, D9605Y, D15910Y, D9413Y, D9538Y.
Identifiers: ClinVar variation 4786763 (VCV004786763.1).

ClinVar aggregate classification (germline): Uncertain significance (1 of 4 stars; one submission).

Conditions:
Autosomal recessive limb-girdle muscular dystrophy type 2J (LGMDR10). Also called: Limb-girdle muscular dystrophy, type 2J; MUSCULAR DYSTROPHY, LIMB-GIRDLE, AUTOSOMAL RECESSIVE 10. Identifiers: Orphanet 140922, MedGen C1837342, MONDO:0012127, OMIM 608807.
Dilated cardiomyopathy 1G (CMD1G). Identifiers: Orphanet 154, MedGen C1858763, MONDO:0011400, OMIM 604145.

Submission:

Labcorp Genetics (formerly Invitae), Labcorp
Classification: Uncertain significance for Dilated cardiomyopathy 1G; Autosomal recessive limb-girdle muscular dystrophy type 2J. Last evaluated: 2025-11-27. Review status: criteria provided, single submitter. Criteria: Invitae Variant Classification Sherloc (09022015). Collection method: clinical testing. Allele origin: germline.
Comment: This sequence change replaces aspartic acid, which is acidic and polar, with tyrosine, which is neutral and polar, at codon 18478 of the TTN protein (p.Asp18478Tyr). This variant also falls at the last nucleotide of exon 286, which is part of the consensus splice site for this exon. This variant is not present in population databases (gnomAD no frequency). This variant has not been reported in the literature in individuals affected with TTN-related conditions. Experimental studies and prediction algorithms are not available or were not evaluated, and the functional significance of this variant is currently unknown. Variants that disrupt the consensus splice site are a relatively common cause of aberrant splicing (PMID: 17576681, 9536098). Algorithms developed to predict the effect of sequence changes on RNA splicing suggest that this variant may disrupt the consensus splice site. This variant is located in the A band of TTN (PMID: 25589632). Variants in this region may be relevant for cardiac or neuromuscular disorders (PMID: 25589632, 23975875). In summary, the available evidence is currently insufficient to determine the role of this variant in disease. Therefore, it has been classified as a Variant of Uncertain Significance.

Literature cited by the submitters: PubMed 17576681; PubMed 9536098; PubMed 25589632; PubMed 23975875.